The following is an entry in ClinVar:

NM_019074.4(DLL4):c.1314A>G (p.Glu438=)

Gene: DLL4 (delta like canonical Notch ligand 4; plus strand). Cytogenetic location: 15q15.1.
Variant type: single nucleotide variant.
Coding change: c.1314A>G on transcript NM_019074.4 (MANE Select); coding-DNA position 1314, A replaced by G.
Protein change: p.Glu438=; no amino-acid change (glutamic acid 438 retained).
Molecular consequence: synonymous variant.
Genome position (GRCh38, 1-based): chr15:40,936,301, A>G. VCF-style: chr15-40936301-A-G. GRCh37 (hg19) VCF-style: chr15-41228499-A-G.
Identifiers: ClinVar variation 3357288 (VCV003357288.1).

ClinVar aggregate classification (germline): Likely benign (0 of 4 stars; one submission).

Conditions:
DLL4-related disorder. Also called: DLL4-related condition.

Submission:

PreventionGenetics, part of Exact Sciences
Classification: Likely benign for DLL4-related condition. Last evaluated: 2024-03-08. Review status: no assertion criteria provided. Collection method: clinical testing. Allele origin: germline.
Comment: This variant is classified as likely benign based on ACMG/AMP sequence variant interpretation guidelines (Richards et al. 2015 PMID: 25741868, with internal and published modifications).